The following is an entry in ClinVar:

ClinVar aggregate classification (germline): Uncertain significance. Review status: criteria provided, multiple submitters, no conflicts (2 of 4 stars). 2 submissions from 2 submitters: Uncertain significance (2). Last evaluated 2025-11-06.

Allele frequency attached by ClinVar (database versions not stated): ExAC 0.00009; TOPMed 0.00009; gnomAD 0.00012; ESP Exome Variant Server 0.00015; 1000 Genomes Project 30x 0.00031; 1000 Genomes Project 0.00040.
gnomAD v4.1: 162 of 1,606,152 alleles (0.01%); highest among the groups gnomAD compares: Non-Finnish European, 0.012%; no homozygotes.

Submissions (2):

Labcorp Genetics (formerly Invitae), Labcorp
Classification: Uncertain significance. Last evaluated: 2025-11-06. Review status: criteria provided, single submitter. Criteria: Invitae Variant Classification Sherloc (09022015). Collection method: clinical testing. Allele origin: germline.
Comment: This sequence change replaces alanine, which is neutral and non-polar, with valine, which is neutral and non-polar, at codon 755 of the TNK2 protein (p.Ala755Val). This variant is present in population databases (rs371857601, gnomAD 0.02%). This variant has not been reported in the literature in individuals affected with TNK2-related conditions. ClinVar contains an entry for this variant (Variation ID: 2273893). An algorithm developed to predict the effect of missense changes on protein structure and function outputs the following: PolyPhen-2: "Benign". The valine amino acid residue is found in multiple mammalian species, which suggests that this missense change does not adversely affect protein function. In summary, the available evidence is currently insufficient to determine the role of this variant in disease. Therefore, it has been classified as a Variant of Uncertain Significance.

Ambry Genetics
Classification: Uncertain significance. Last evaluated: 2021-08-13. Review status: criteria provided, single submitter. Criteria: Ambry Variant Classification Scheme 2023. Collection method: clinical testing. Allele origin: germline.

NM_001382273.1(TNK2):c.2075C>T (p.Ala692Val)

Gene: TNK2 (tyrosine kinase non receptor 2; minus strand). Cytogenetic location: 3q29.
Variant type: single nucleotide variant.
Coding change: c.2075C>T on transcript NM_001382273.1 (MANE Select); coding-DNA position 2075, C replaced by T.
Protein change: p.Ala692Val; replaces alanine 692 with valine.
Molecular consequence: missense variant. On other transcripts: non-coding transcript variant (15).
Genome position (GRCh38, 1-based): chr3:195,868,223, G>A on the plus strand (C>T on the coding strand, the complement: TNK2 is on the minus strand). VCF-style: chr3-195868223-G-A. GRCh37 (hg19) VCF-style: chr3-195595094-G-A.
Other names: c.2147C>T, p.Ala716Val (NM_001010938.2, NM_001382272.1); c.2126C>T, p.Ala709Val (NM_001308046.2, NM_001382271.1); c.2075C>T, p.Ala692Val (NM_001382274.1, NM_001387716.1, NM_001387717.1 and 1 more transcripts); c.2171C>T, p.Ala724Val (NM_001382275.1, NM_001387707.1); c.2030C>T, p.Ala677Val (NM_001386164.1, NM_001387709.1, NM_001387710.1 and 8 more transcripts); c.2102C>T, p.Ala701Val (NM_001387708.1, NM_001387715.1); short protein forms A709V, A677V, A724V, A692V, A701V, A716V.
Identifiers: ClinVar variation 2273893 (VCV002273893.3), dbSNP rs371857601, ClinGen allele CA2776084.